The following is an entry in ClinVar:

ClinVar aggregate classification (germline): Uncertain significance (1 of 4 stars; one submission).

Conditions:
Cohen syndrome (COH1). Also called: PEPPER SYNDROME; Cutis verticis gyrata, retinitis pigmentosa, and sensorineural deafness. Identifiers: Orphanet 193, MedGen C0265223, MONDO:0008999, OMIM 216550.

Allele frequency attached by ClinVar (database versions not stated): gnomAD exomes below 0.00001 and 0.00001.
gnomAD v4.1: 9 of 1,605,146 alleles (0.00056%); highest among the groups gnomAD compares: Non-Finnish European, 0.00077%; no homozygotes.

Submission:

Labcorp Genetics (formerly Invitae), Labcorp
Classification: Uncertain significance for Cohen syndrome. Last evaluated: 2022-10-25. Review status: criteria provided, single submitter. Criteria: Invitae Variant Classification Sherloc (09022015). Collection method: clinical testing. Allele origin: germline.
Comment: This sequence change replaces cysteine, which is neutral and slightly polar, with tyrosine, which is neutral and polar, at codon 208 of the VPS13B protein (p.Cys208Tyr). The frequency data for this variant in the population databases is considered unreliable, as metrics indicate poor data quality at this position in the gnomAD database. In summary, the available evidence is currently insufficient to determine the role of this variant in disease. Therefore, it has been classified as a Variant of Uncertain Significance. Advanced modeling of protein sequence and biophysical properties (such as structural, functional, and spatial information, amino acid conservation, physicochemical variation, residue mobility, and thermodynamic stability) performed at Invitae indicates that this missense variant is expected to disrupt VPS13B protein function. ClinVar contains an entry for this variant (Variation ID: 1409510). This variant has not been reported in the literature in individuals affected with VPS13B-related conditions.

NM_152564.5(VPS13B):c.623G>A (p.Cys208Tyr)

Gene: VPS13B (vacuolar protein sorting 13 homolog B; plus strand). Cytogenetic location: 8q22.2.
Variant type: single nucleotide variant.
Coding change: c.623G>A on transcript NM_152564.5 (MANE Select); coding-DNA position 623, G replaced by A.
Protein change: p.Cys208Tyr; replaces cysteine 208 with tyrosine.
Molecular consequence: missense variant. On other transcripts: non-coding transcript variant (1).
Genome position (GRCh38, 1-based): chr8:99,111,140, G>A. VCF-style: chr8-99111140-G-A. GRCh37 (hg19) VCF-style: chr8-100123368-G-A.
Other names: c.623G>A, p.Cys208Tyr (NM_015243.3, NM_017890.5, NM_181661.3); short protein forms C208Y.
Identifiers: ClinVar variation 1409510 (VCV001409510.8), dbSNP rs1209535812, ClinGen allele CA371860008.